The following is an entry in ClinVar:

NM_000157.4(GBA1):c.1192C>T (p.Arg398Ter)

Genes: GBA1 (glucosylceramidase beta 1; minus strand), LOC106627981 (GBA recombination region; plus strand). Cytogenetic location: 1q22.
Variant type: single nucleotide variant.
Coding change: c.1192C>T on transcript NM_000157.4 (MANE Select); coding-DNA position 1192, C replaced by T.
Protein change: p.Arg398Ter; replaces arginine 398 with a stop codon.
Molecular consequence: nonsense.
Genome position (GRCh38, 1-based): chr1:155,236,277, G>A on the plus strand (C>T on the coding strand, the complement: GBA1 is on the minus strand). VCF-style: chr1-155236277-G-A. GRCh37 (hg19) VCF-style: chr1-155206068-G-A.
Other names: R359*; c.1192C>T, p.Arg398Ter (NM_001005741.3, NM_001005742.3); c.931C>T, p.Arg311Ter (NM_001171811.2); c.1045C>T, p.Arg349Ter (NM_001171812.2); c.1192C>T (NM_000157.3); short protein forms R398*, R349*, R311*.
Identifiers: ClinVar variation 4326 (VCV000004326.57), dbSNP rs121908309, ClinGen allele CA221386.

ClinVar aggregate classification (germline): Pathogenic. Review status: criteria provided, multiple submitters, no conflicts (2 of 4 stars). 10 submissions from 10 submitters: Pathogenic (9). 1 of the submissions does not count toward it. Last evaluated 2025-10-01.

Conditions:
GBA-related disorder. Also called: GBA-related disorders.
Gaucher disease-ophthalmoplegia-cardiovascular calcification syndrome. Also called: GAUCHER DISEASE, TYPE IIIC. Identifiers: Orphanet 2072, MedGen C1856476, MONDO:0009268, OMIM 231005.
Lewy body dementia (DLB). Also called: Lewy Body Disease. Identifiers: MedGen C0752347, MONDO:0007488, OMIM 127750.
Parkinson disease, late-onset (PD). Also called: PARKINSON DISEASE, LATE-ONSET, SUSCEPTIBILITY TO; Susceptibility to Parkinson's Disease; Hereditary late onset Parkinson disease. Identifiers: Orphanet 411602, MedGen C3160718, MONDO:0008199, OMIM 168600.
Gaucher disease perinatal lethal. Also called: Gaucher disease collodion type; Gaucher Disease, Perinatal-Lethal Form. Identifiers: Orphanet 85212, MedGen C1842704, MONDO:0011945, OMIM 608013.
Gaucher disease type I (GD1). Also called: Gaucher's disease, type 1; ACID BETA-GLUCOSIDASE DEFICIENCY; GAUCHER DISEASE, NONCEREBRAL JUVENILE; GBA DEFICIENCY; GD I; GLUCOCEREBROSIDASE DEFICIENCY. Identifiers: Orphanet 355, Orphanet 77259, MedGen C1961835, MONDO:0009265, OMIM 230800.
Gaucher disease type II (GD2). Also called: GAUCHER DISEASE, ACUTE NEURONOPATHIC TYPE; GD II; Acute neuronopathic Gaucher's disease; Type 2 Gaucher disease (Acute; Infantile). Identifiers: Orphanet 77260, MedGen C0268250, MONDO:0009266, OMIM 230900.
Gaucher disease type III. Also called: GAUCHER DISEASE, CHRONIC NEURONOPATHIC TYPE; GAUCHER DISEASE, JUVENILE AND ADULT, CEREBRAL; GAUCHER DISEASE, SUBACUTE NEURONOPATHIC TYPE; GD III; Subacute neuronopathic Gaucher's disease; Type 3 Gaucher disease (Subacute; Juvenile). Identifiers: Orphanet 355, Orphanet 77261, MedGen C0268251, MONDO:0009267, OMIM 231000.
Gaucher disease. Also called: Acute cerebral Gaucher disease; Cerebroside lipidosis syndrome; Gaucher splenomegaly; Sphingolipidosis 1; Glucocerebrosidosis; Glucosylceramidase deficiency. Identifiers: Orphanet 355, MedGen C0017205, MONDO:0018150.

Allele frequency attached by ClinVar (database versions not stated): gnomAD exomes below 0.00001; TOPMed 0.00002.
gnomAD v4.1: 22 of 1,614,110 alleles (0.0014%); highest among the groups gnomAD compares: East Asian, 0.0022%; no homozygotes.

Submissions (10):

Natera, Inc.
Classification: Pathogenic for Gaucher disease. Last evaluated: 2025-10-01. Review status: criteria provided, single submitter. Criteria: Natera Variant Classification Schema (03/2026). Collection method: clinical testing. Allele origin: germline.
Comment: The c.1192C>T variant in GBA1 is a nonsense variant predicted to introduce a stop codon at amino acid 398. This variant is expected to result in nonsense mediated decay, truncation, or a dysfunctional protein product. This variant is rare in the general population with a frequency below the threshold expected for the associated phenotype(s). This variant has been observed in one or more individuals affected with the associated recessive disease, as either homozygous or compound heterozygous with a second variant (PMID: 8112750). Given the available evidence, this variant is classified as Pathogenic.

ARUP Laboratories, Molecular Genetics and Genomics, ARUP Laboratories
Classification: Pathogenic. Last evaluated: 2025-07-17. Review status: criteria provided, single submitter. Criteria: ARUP Molecular Germline Variant Investigation Process 2024. Collection method: clinical testing. Allele origin: germline.
Comment: The GBA c.1192C>T; p.Arg398Ter variant (rs121908309, ClinVar Variation ID: 4326) is reported in the literature in the compound heterozygous state with other pathogenic GBA variants in multiple individuals with Gaucher disease (Alfonso 2007, Beutler 1994, Hoitsema 2016). This variant is only observed on one allele in the Genome Aggregation Database (v2.1.1), indicating it is not a common polymorphism. This variant induces an early termination codon and is predicted to result in a truncated protein or mRNA subject to nonsense-mediated decay. Based on available information, this variant is considered to be pathogenic. References: Alfonso P et al. Mutation analysis and genotype/phenotype relationships of Gaucher disease patients in Spain. J Hum Genet. 2007;52(5):391-396. PMID: 17427031. Beutler E et al. Two new Gaucher disease mutations. Hum Genet. 1994 Feb;93(2):209-10. PMID: 8112750. Hoitsema K et al. Identification of novel splice site mutation IVS9 + 1(G > A) and novel complex allele G355R/R359X in Type 1 Gaucher patients heterozygous for mutation N370S. Meta Gene. 2016 Mar 23;9:47-51. PMID: 27222815.

Blueprint Genetics
Classification: Pathogenic for GBA-related disorders. Last evaluated: 2024-06-28. Review status: criteria provided, single submitter. Criteria: ACMG Guidelines, 2015. Collection method: clinical testing. Allele origin: germline. Affected: yes. Observed: 2 variant alleles.

CeGaT Center for Human Genetics Tuebingen
Classification: Pathogenic. Last evaluated: 2023-12-01. Review status: criteria provided, single submitter. Criteria: CeGaT Center For Human Genetics Tuebingen Variant Classification Criteria Version 2. Collection method: clinical testing. Allele origin: germline. Affected: yes. Observed: 4 variant alleles.
Comment: GBA1: PM3:Very Strong, PVS1, PM2

Fulgent Genetics
Classification: Pathogenic for Lewy body dementia; Parkinson disease, late-onset; Gaucher disease type I; Gaucher disease type II; Gaucher disease type III; Gaucher disease-ophthalmoplegia-cardiovascular calcification syndrome; Gaucher disease perinatal lethal. Last evaluated: 2022-04-11. Review status: criteria provided, single submitter. Criteria: ACMG Guidelines, 2015. Collection method: clinical testing. Allele origin: unknown.

Broad Center for Mendelian Genomics, Broad Institute of MIT and Harvard
Classification: Pathogenic for Gaucher disease type I. Last evaluated: 2020-01-22. Review status: criteria provided, single submitter. Criteria: ACMG Guidelines, 2015. Collection method: curation. Allele origin: germline. Inheritance: Autosomal recessive inheritance.
Comment: The p.Arg398Ter variant in GBA has been reported in at least 8 individuals with Gaucher Disease (PMID: 17427031, 27222815, 21779299, 25435509, 30328501, 10352942) and has been identified in 0.003% (1/30610) of South Asian chromosomes by the Genome Aggregation Database (gnomAD; dbSNP rs121908309). Although this variant has been seen in the general population, its frequency is low enough to be consistent with a recessive carrier frequency. This variant has also been reported in ClinVar (VariationID: 4326) as likely pathogenic by Praxis fuer Humangenetik Tuebingen and as pathogenic by EGL Genetic Diagnostics, Integrated Genomics, and OMIM. This nonsense variant leads to a premature termination codon at position 398, which is predicted to lead to a truncated or absent protein. Loss of function of the GBA gene is an established disease mechanism in autosomal recessive Gaucher disease. Additionally, the presence of this variant in combination with reported pathogenic variants in and in 4 individuals with Gaucher disease increases the likelihood that the p.Arg398Ter variant is pathogenic (VariationID: 4290, 4288; PMID: 17427031, 27222815, 10352942). In summary, this variant meets criteria to be classified as pathogenic for Gaucher disease in an autosomal recessive manner based on the expectation that the variant will cause loss of function, the low frequency of the variant in the general population, and the occurrence of the variant in combination with other pathogenic variants. ACMG/AMP Criteria applied: PVS1, PM2, PM3 (Richards 2015).

Women's Health and Genetics/Laboratory Corporation of America, LabCorp
Classification: Pathogenic for Gaucher disease. Last evaluated: 2018-09-24. Review status: criteria provided, single submitter. Criteria: LabCorp Variant Classification Summary - May 2015. Collection method: clinical testing. Allele origin: germline.
Comment: Variant summary: GBA c.1192C>T (p.Arg398X) results in a premature termination codon, predicted to cause a truncation of the encoded protein or absence of the protein due to nonsense mediated decay, which are commonly known mechanisms for disease. The variant allele was found at a frequency of 4.1e-06 in 246218 control chromosomes (gnomAD). c.1192C>T has been reported in the literature in multiple individuals affected with Gaucher Disease (Alfonso_2007, Duran_2012, Hoitsema_2016, Stone_2000, Beutler_1994). These data indicate that the variant is very likely to be associated with disease. To our knowledge, no experimental evidence demonstrating an impact on protein function has been reported. A ClinVar submission from a clinical diagnostic laboratory (evaluation after 2014) cites variant as likely pathogenic. Based on the evidence outlined above, the variant was classified as pathogenic.

Eurofins Ntd Llc (ga)
Classification: Pathogenic. Last evaluated: 2012-11-28. Review status: criteria provided, single submitter. Criteria: EGL Classification Definitions. Collection method: clinical testing. Allele origin: germline. Observed: 2 variant alleles, 2 heterozygotes.

Kariminejad - Najmabadi Pathology & Genetics Center
Classification: Pathogenic for Gaucher disease perinatal lethal. Review status: criteria provided, single submitter. Criteria: ACMG Guidelines, 2015. Collection method: clinical testing. Allele origin: germline. Affected: no.

OMIM
Classification: Pathogenic for GAUCHER DISEASE, PERINATAL LETHAL. Last evaluated: 1999-05-01. Review status: no assertion criteria provided. Collection method: literature only. Allele origin: germline. Not counted in ClinVar's aggregate classification.

Literature cited by the submitters: PubMed 8112750 (cited by Natera, Inc.); PubMed 17427031 (cited by Broad Center for Mendelian Genomics, Broad Institute of MIT and Harvard); PubMed 21779299 (cited by Broad Center for Mendelian Genomics, Broad Institute of MIT and Harvard); PubMed 27222815 (cited by Broad Center for Mendelian Genomics, Broad Institute of MIT and Harvard and Women's Health and Genetics/Laboratory Corporation of America, LabCorp); PubMed 10352942 (cited by Broad Center for Mendelian Genomics, Broad Institute of MIT and Harvard and OMIM); PubMed 30328501 (cited by Broad Center for Mendelian Genomics, Broad Institute of MIT and Harvard); PubMed 25435509 (cited by Broad Center for Mendelian Genomics, Broad Institute of MIT and Harvard); PubMed 10649495 (cited by Women's Health and Genetics/Laboratory Corporation of America, LabCorp); PubMed 8790604 (cited by Women's Health and Genetics/Laboratory Corporation of America, LabCorp); PubMed 22658918 (cited by Women's Health and Genetics/Laboratory Corporation of America, LabCorp).